The following is an entry in ClinVar:

NM_001035.3(RYR2):c.8515-5T>C

Gene: RYR2 (ryanodine receptor 2; plus strand). Cytogenetic location: 1q43.
Variant type: single nucleotide variant.
Coding change: c.8515-5T>C on transcript NM_001035.3 (MANE Select); 5 bases into the intron before coding-DNA position 8515, T replaced by C.
Molecular consequence: intron variant.
Genome position (GRCh38, 1-based): chr1:237,667,878, T>C. VCF-style: chr1-237667878-T-C. GRCh37 (hg19) VCF-style: chr1-237831178-T-C.
Identifiers: ClinVar variation 3071178 (VCV003071178.1), dbSNP rs145363238, ClinGen allele CA2651207171.
Genomic context (GRCh38, chr1:237,667,878, plus strand): 5'-TATATTAGAAAGCAATATTATCCTTTTTTACTTATTGAAACGATAAATATTTTTGTTCAT[T>C]TAAGGCTATGGCAGAAATGATGGCTGAAAACTACCATAATATATGGGCAAAGAAAAAGAA-3'

ClinVar aggregate classification (germline): Likely benign (1 of 4 stars; one submission).

Conditions:
Catecholaminergic polymorphic ventricular tachycardia (CVPT). Also called: Catecholamine-induced polymorphic ventricular tachycardia. Identifiers: Orphanet 3286, MedGen C5574922, MONDO:0017990.

Submission:

All of Us Research Program, National Institutes of Health
Classification: Likely benign for Catecholaminergic polymorphic ventricular tachycardia. Last evaluated: 2023-05-16. Review status: criteria provided, single submitter. Criteria: ACMG Guidelines, 2015. Collection method: clinical testing. Allele origin: germline. Inheritance: Autosomal dominant inheritance. Observed: 1 variant allele, 1 heterozygote.
Comment: This study involves interpretation of variants in research participants for the purpose of population health screening. Participant phenotype was not available at the time of variant classification. Additional details can be found in publication PMID: 35346344, PMCID: PMC8962531